The following is an entry in ClinVar:

ClinVar aggregate classification (germline): Uncertain significance (1 of 4 stars; one submission).

Conditions:
Cardiovascular phenotype. Identifiers: MedGen CN230736.

gnomAD v4.1: 3 of 1,547,584 alleles (0.00019%); highest among the groups gnomAD compares: African/African-American, 0.0027%; no homozygotes.

Submission:

Ambry Genetics
Classification: Uncertain significance for Cardiovascular phenotype. Last evaluated: 2025-06-09. Review status: criteria provided, single submitter. Criteria: Ambry Variant Classification Scheme 2023. Collection method: clinical testing. Allele origin: germline.
Comment: The p.D2979G variant (also known as c.8936A>G), located in coding exon 2 of the ZNF469 gene, results from an A to G substitution at nucleotide position 8936. The aspartic acid at codon 2979 is replaced by glycine, an amino acid with similar properties. This amino acid position is conserved. In addition, this alteration is predicted to be tolerated by in silico analysis. Based on the available evidence, the clinical significance of this variant remains unclear.

NM_001367624.2(ZNF469):c.9020A>G (p.Asp3007Gly)

Gene: ZNF469 (zinc finger protein 469; plus strand). Cytogenetic location: 16q24.2.
Variant type: single nucleotide variant.
Coding change: c.9020A>G on transcript NM_001367624.2 (MANE Select); coding-DNA position 9020, A replaced by G.
Protein change: p.Asp3007Gly; replaces aspartic acid 3007 with glycine.
Molecular consequence: missense variant.
Genome position (GRCh38, 1-based): chr16:88,436,490, A>G. VCF-style: chr16-88436490-A-G. GRCh37 (hg19) VCF-style: chr16-88502898-A-G.
Other names: NM_001127464.1:c.8936A>G; short protein forms D3007G.
Identifiers: ClinVar variation 3987384 (VCV003987384.1).